The following is an entry in ClinVar:

ClinVar aggregate classification (germline): Uncertain significance (1 of 4 stars; one submission).

Conditions:
Familial hypocalciuric hypercalcemia (FHH). Also called: Familial benign hypercalcemia. Identifiers: Orphanet 405, MedGen C1809471, MONDO:0018458.
Autosomal dominant hypocalcemia 1 (HYPOC1). Also called: HYPOCALCEMIA, FAMILIAL. Identifiers: MedGen C3715128, MONDO:0011013, OMIM 601198.

Submission:

Labcorp Genetics (formerly Invitae), Labcorp
Classification: Uncertain significance for Familial hypocalciuric hypercalcemia; Autosomal dominant hypocalcemia 1. Last evaluated: 2018-08-08. Review status: criteria provided, single submitter. Criteria: Invitae Variant Classification Sherloc (09022015). Collection method: clinical testing. Allele origin: germline.
Comment: Algorithms developed to predict the effect of missense changes on protein structure and function (SIFT, PolyPhen-2, Align-GVGD) all suggest that this variant is likely to be disruptive, but these predictions have not been confirmed by published functional studies and their clinical significance is uncertain. In summary, the available evidence is currently insufficient to determine the role of this variant in disease. Therefore, it has been classified as a Variant of Uncertain Significance. This variant has not been reported in the literature in individuals with CASR-related disease. This variant is not present in population databases (ExAC no frequency). This sequence change replaces serine with phenylalanine at codon 502 of the CASR protein (p.Ser502Phe). The serine residue is highly conserved and there is a large physicochemical difference between serine and phenylalanine.

NM_000388.4(CASR):c.1505C>T (p.Ser502Phe)

Gene: CASR (calcium sensing receptor; plus strand). Cytogenetic location: 3q21.1.
Variant type: single nucleotide variant.
Coding change: c.1505C>T on transcript NM_000388.4 (MANE Select); coding-DNA position 1505, C replaced by T.
Protein change: p.Ser502Phe; replaces serine 502 with phenylalanine.
Molecular consequence: missense variant.
Genome position (GRCh38, 1-based): chr3:122,275,939, C>T. VCF-style: chr3-122275939-C-T. GRCh37 (hg19) VCF-style: chr3-121994786-C-T.
Other names: c.1505C>T, p.Ser502Phe (NM_001178065.2); short protein forms S502F.
Identifiers: ClinVar variation 664566 (VCV000664566.9), dbSNP rs1576870394, ClinGen allele CA354155245.